The following is an entry in ClinVar:

NM_024675.4(PALB2):c.151A>T (p.Thr51Ser)

Gene: PALB2 (partner and localizer of BRCA2; minus strand). Cytogenetic location: 16p12.2.
Variant type: single nucleotide variant.
Coding change: c.151A>T on transcript NM_024675.4 (MANE Select); coding-DNA position 151, A replaced by T.
Protein change: p.Thr51Ser; replaces threonine 51 with serine.
Molecular consequence: missense variant.
Genome position (GRCh38, 1-based): chr16:23,637,910, T>A on the plus strand (A>T on the coding strand, the complement: PALB2 is on the minus strand). VCF-style: chr16-23637910-T-A. GRCh37 (hg19) VCF-style: chr16-23649231-T-A.
Other names: short protein forms T51S.
Identifiers: ClinVar variation 1060329 (VCV001060329.10), dbSNP rs2142456898, ClinGen allele CA395139241.

ClinVar aggregate classification (germline): Uncertain significance (1 of 4 stars; one submission).

Conditions:
Familial cancer of breast. Also called: Hereditary breast cancer; BREAST CANCER, FAMILIAL; hereditary breast carcinoma. Identifiers: Orphanet 227535, MedGen C0346153, MONDO:0016419, OMIM 114480. Disease mechanism: loss of function.

Submission:

Labcorp Genetics (formerly Invitae), Labcorp
Classification: Uncertain significance for Familial cancer of breast. Last evaluated: 2020-10-14. Review status: criteria provided, single submitter. Criteria: Invitae Variant Classification Sherloc (09022015). Collection method: clinical testing. Allele origin: germline.
Comment: This variant is not present in population databases (ExAC no frequency). This sequence change replaces threonine with serine at codon 51 of the PALB2 protein (p.Thr51Ser). The threonine residue is moderately conserved and there is a small physicochemical difference between threonine and serine. This variant has not been reported in the literature in individuals with PALB2-related conditions. In summary, the available evidence is currently insufficient to determine the role of this variant in disease. Therefore, it has been classified as a Variant of Uncertain Significance. Algorithms developed to predict the effect of missense changes on protein structure and function are either unavailable or do not agree on the potential impact of this missense change (SIFT: "Tolerated"; PolyPhen-2: "Possibly Damaging"; Align-GVGD: "Class C0").